The following is an entry in ClinVar:

NM_017934.7(PHIP):c.189+5G>C

Genes: PHIP (PHIP subunit of CUL4-Ring ligase complex; minus strand), LOC129996744 (ATAC-STARR-seq lymphoblastoid silent region 17345; plus strand). Cytogenetic location: 6q14.1.
Variant type: single nucleotide variant.
Coding change: c.189+5G>C on transcript NM_017934.7 (MANE Select); 5 bases into the intron after coding-DNA position 189, G replaced by C.
Molecular consequence: intron variant.
Genome position (GRCh38, 1-based): chr6:79,077,443, C>G on the plus strand (G>C on the coding strand, the complement: PHIP is on the minus strand). VCF-style: chr6-79077443-C-G. GRCh37 (hg19) VCF-style: chr6-79787160-C-G.
Identifiers: ClinVar variation 3349224 (VCV003349224.1).

ClinVar aggregate classification (germline): Uncertain significance (0 of 4 stars; one submission).

Conditions:
PHIP-related disorder. Also called: PHIP-related condition; PHIP-related disorders.

Submission:

PreventionGenetics, part of Exact Sciences
Classification: Uncertain significance for PHIP-related condition. Last evaluated: 2023-11-29. Review status: no assertion criteria provided. Collection method: clinical testing. Allele origin: germline.
Comment: The PHIP c.189+5G>C variant is predicted to interfere with splicing. To our knowledge, this variant has not been reported in the literature or in a large population database, indicating this variant is rare. This variant is predicted to alter splicing based on available splicing prediction software (SpliceAI, Jaganathan et al. 2019. PubMed ID: 30661751). However, the use of computer prediction softwares is not equivalent to functional evidence. At this time, the clinical significance of this variant is uncertain due to the absence of conclusive functional and genetic evidence.